The following is an entry in ClinVar:

NM_006662.3(SRCAP):c.2947C>T (p.Pro983Ser)

Gene: SRCAP (Snf2 related CREBBP activator protein; plus strand). Cytogenetic location: 16p11.2.
Variant type: single nucleotide variant.
Coding change: c.2947C>T on transcript NM_006662.3 (MANE Select); coding-DNA position 2947, C replaced by T.
Protein change: p.Pro983Ser; replaces proline 983 with serine.
Molecular consequence: missense variant.
Genome position (GRCh38, 1-based): chr16:30,720,291, C>T. VCF-style: chr16-30720291-C-T. GRCh37 (hg19) VCF-style: chr16-30731612-C-T.
Other names: short protein forms P983S.
Identifiers: ClinVar variation 3363843 (VCV003363843.1).

ClinVar aggregate classification (germline): Uncertain significance (1 of 4 stars; one submission).

Submission:

GeneDx
Classification: Uncertain significance. Last evaluated: 2023-11-07. Review status: criteria provided, single submitter. Criteria: GeneDx Variant Classification Process June 2021. Collection method: clinical testing. Allele origin: germline. Affected: yes.
Comment: Not observed at significant frequency in large population cohorts (gnomAD); In silico analysis supports that this missense variant has a deleterious effect on protein structure/function; Has not been previously published as pathogenic or benign to our knowledge